The following is an entry in ClinVar:

NM_002968.3(SALL1):c.1210A>C (p.Ser404Arg)

Gene: SALL1 (spalt like transcription factor 1; minus strand). Cytogenetic location: 16q12.1.
Variant type: single nucleotide variant.
Coding change: c.1210A>C on transcript NM_002968.3 (MANE Select); coding-DNA position 1210, A replaced by C.
Protein change: p.Ser404Arg; replaces serine 404 with arginine.
Molecular consequence: missense variant.
Genome position (GRCh38, 1-based): chr16:51,141,012, T>G on the plus strand (A>C on the coding strand, the complement: SALL1 is on the minus strand). VCF-style: chr16-51141012-T-G. GRCh37 (hg19) VCF-style: chr16-51174923-T-G.
Other names: c.919A>C, p.Ser307Arg (NM_001127892.2); short protein forms S307R, S404R.
Identifiers: ClinVar variation 2070632 (VCV002070632.6), dbSNP rs762697248, ClinGen allele CA8053317.

ClinVar aggregate classification (germline): Uncertain significance. Review status: criteria provided, multiple submitters, no conflicts (2 of 4 stars). 3 submissions from 3 submitters: Uncertain significance (3). Last evaluated 2024-10-23.

Conditions:
Townes syndrome (TBS). Also called: Townes-Brocks syndrome. Identifiers: Orphanet 857, MedGen C0265246, MeSH C536974, MONDO:0007142.

Allele frequency attached by ClinVar (database versions not stated): gnomAD exomes below 0.00001; TOPMed below 0.00001; ExAC 0.00001.

Submissions (3):

Labcorp Genetics (formerly Invitae), Labcorp
Classification: Uncertain significance for Townes syndrome. Last evaluated: 2024-10-23. Review status: criteria provided, single submitter. Criteria: Invitae Variant Classification Sherloc (09022015). Collection method: clinical testing. Allele origin: germline.
Comment: This sequence change replaces serine, which is neutral and polar, with arginine, which is basic and polar, at codon 404 of the SALL1 protein (p.Ser404Arg). This variant is present in population databases (rs762697248, gnomAD 0.003%). This variant has not been reported in the literature in individuals affected with SALL1-related conditions. ClinVar contains an entry for this variant (Variation ID: 2070632). Invitae Evidence Modeling of protein sequence and biophysical properties (such as structural, functional, and spatial information, amino acid conservation, physicochemical variation, residue mobility, and thermodynamic stability) indicates that this missense variant is not expected to disrupt SALL1 protein function with a negative predictive value of 80%. In summary, the available evidence is currently insufficient to determine the role of this variant in disease. Therefore, it has been classified as a Variant of Uncertain Significance.

GeneDx
Classification: Uncertain significance. Last evaluated: 2023-02-10. Review status: criteria provided, single submitter. Criteria: GeneDx Variant Classification Process June 2021. Collection method: clinical testing. Allele origin: germline. Affected: yes.
Comment: In silico analysis supports that this missense variant does not alter protein structure/function; Has not been previously published as pathogenic or benign to our knowledge

Blueprint Genetics
Classification: Uncertain significance. Last evaluated: 2020-09-21. Review status: criteria provided, single submitter. Criteria: ACMG Guidelines, 2015. Collection method: clinical testing. Allele origin: germline.